The following is an entry in ClinVar:

NM_001035.3(RYR2):c.3423+94C>T

Gene: RYR2 (ryanodine receptor 2; plus strand). Cytogenetic location: 1q43.
Variant type: single nucleotide variant.
Coding change: c.3423+94C>T on transcript NM_001035.3 (MANE Select); 94 bases into the intron after coding-DNA position 3423, C replaced by T.
Molecular consequence: intron variant.
Genome position (GRCh38, 1-based): chr1:237,566,869, C>T. VCF-style: chr1-237566869-C-T. GRCh37 (hg19) VCF-style: chr1-237730169-C-T.
Identifiers: ClinVar variation 671751 (VCV000671751.2), dbSNP rs2779401, ClinGen allele CA16083551.

ClinVar aggregate classification (germline): Benign. Review status: criteria provided, multiple submitters, no conflicts (2 of 4 stars). 2 submissions from 2 submitters: Benign (2). Last evaluated 2018-06-15.

Allele frequency attached by ClinVar (database versions not stated): 1000 Genomes Project 30x 0.91708; 1000 Genomes Project 0.91933; TOPMed 0.92552; gnomAD 0.92950 and 0.93363.
gnomAD v4.1: 1,281,945 of 1,303,432 alleles (98%); highest among the groups gnomAD compares: East Asian, 100%; 632,092 homozygotes.

Submissions (2):

GeneDx
Classification: Benign. Last evaluated: 2018-06-15. Review status: criteria provided, single submitter. Criteria: GeneDx Variant Classification (06012015). Collection method: clinical testing. Allele origin: germline. Affected: yes.
Comment: This variant is considered likely benign or benign based on one or more of the following criteria: it is a conservative change, it occurs at a poorly conserved position in the protein, it is predicted to be benign by multiple in silico algorithms, and/or has population frequency not consistent with disease.

Breakthrough Genomics
Classification: Benign. Review status: criteria provided, single submitter. Criteria: ACMG Guidelines, 2015. Collection method: not provided. Allele origin: germline. Inheritance: Autosomal dominant inheritance. Affected: yes.